The following is an entry in ClinVar:

NM_001377229.1(DISP1):c.3199G>A (p.Asp1067Asn)

Gene: DISP1 (dispatched RND transporter family member 1; plus strand). Cytogenetic location: 1q41.
Variant type: single nucleotide variant.
Coding change: c.3199G>A on transcript NM_001377229.1 (MANE Select); coding-DNA position 3199, G replaced by A.
Protein change: p.Asp1067Asn; replaces aspartic acid 1067 with asparagine.
Molecular consequence: missense variant.
Genome position (GRCh38, 1-based): chr1:223,004,596, G>A. VCF-style: chr1-223004596-G-A. GRCh37 (hg19) VCF-style: chr1-223177938-G-A.
Other names: c.3199G>A (NM_032890.3); c.2470G>A, p.Asp824Asn (NM_001350630.2); c.3199G>A, p.Asp1067Asn (NM_001369594.1, NM_001377228.1, NM_032890.5); short protein forms D824N, D1067N.
Identifiers: ClinVar variation 1364192 (VCV001364192.9), dbSNP rs200714482, ClinGen allele CA1409363.

ClinVar aggregate classification (germline): Uncertain significance. Review status: criteria provided, multiple submitters, no conflicts (2 of 4 stars). 2 submissions from 2 submitters: Uncertain significance (2). Last evaluated 2024-08-15.

Allele frequency attached by ClinVar (database versions not stated): ESP Exome Variant Server 0.00008; 1000 Genomes Project 30x 0.00016.
gnomAD v4.1: 31 of 1,614,000 alleles (0.0019%); highest among the groups gnomAD compares: Admixed American, 0.017%; no homozygotes.

Submissions (2):

Ambry Genetics
Classification: Uncertain significance. Last evaluated: 2024-08-15. Review status: criteria provided, single submitter. Criteria: Ambry Variant Classification Scheme 2023. Collection method: clinical testing. Allele origin: germline.

Labcorp Genetics (formerly Invitae), Labcorp
Classification: Uncertain significance. Last evaluated: 2021-04-28. Review status: criteria provided, single submitter. Criteria: Invitae Variant Classification Sherloc (09022015). Collection method: clinical testing. Allele origin: germline.
Comment: This sequence change replaces aspartic acid with asparagine at codon 1067 of the DISP1 protein (p.Asp1067Asn). The aspartic acid residue is moderately conserved and there is a small physicochemical difference between aspartic acid and asparagine. In summary, the available evidence is currently insufficient to determine the role of this variant in disease. Therefore, it has been classified as a Variant of Uncertain Significance. Algorithms developed to predict the effect of missense changes on protein structure and function (SIFT, PolyPhen-2, Align-GVGD) all suggest that this variant is likely to be tolerated, but these predictions have not been confirmed by published functional studies and their clinical significance is uncertain. This variant has not been reported in the literature in individuals with DISP1-related conditions. This variant is present in population databases (rs200714482, ExAC 0.05%).